The following is an entry in ClinVar:

ClinVar aggregate classification (germline): Benign. Review status: criteria provided, multiple submitters, no conflicts (2 of 4 stars). 5 submissions from 5 submitters: Benign (4). 1 of the submissions does not count toward it. Last evaluated 2024-11-28.

Allele frequency attached by ClinVar (database versions not stated): 1000 Genomes Project 30x 0.13476; 1000 Genomes Project 0.13598; ExAC 0.13967; TOPMed 0.15679; gnomAD 0.15722 and 0.15782; gnomAD exomes 0.17040 and 0.19410.
gnomAD v4.1: 294,055 of 1,549,882 alleles (19%); highest among the groups gnomAD compares: Non-Finnish European, 21%; 29,081 homozygotes.

Submissions (5):

Blueprint Genetics
Classification: Benign. Last evaluated: 2024-11-28. Review status: criteria provided, single submitter. Criteria: ACMG Guidelines, 2015. Collection method: clinical testing. Allele origin: germline.

Mayo Clinic Laboratories, Mayo Clinic
Classification: Benign. Last evaluated: 2022-03-24. Review status: criteria provided, single submitter. Criteria: ACMG Guidelines, 2015. Collection method: clinical testing. Allele origin: germline. Observed: 162 variant alleles.

GeneDx
Classification: Benign. Last evaluated: 2022-01-10. Review status: criteria provided, single submitter. Criteria: GeneDx Variant Classification Process June 2021. Collection method: clinical testing. Allele origin: germline. Affected: yes.

Breakthrough Genomics
Classification: Benign. Review status: criteria provided, single submitter. Criteria: ACMG Guidelines, 2015. Collection method: not provided. Allele origin: germline. Inheritance: Autosomal recessive inheritance. Affected: yes.

Genetic Services Laboratory, University of Chicago
Classification: Likely benign for AllHighlyPenetrant. Review status: no assertion criteria provided. Collection method: clinical testing. Allele origin: germline. Inheritance: Autosomal recessive inheritance. Not counted in ClinVar's aggregate classification.
Comment: Likely benign based on allele frequency in 1000 Genomes Project or ESP global frequency and its presence in a patient with a rare or unrelated disease phenotype. NOT Sanger confirmed.

NM_001163809.2(WDR81):c.1716C>T (p.His572=)

Gene: WDR81 (WD repeat domain 81; plus strand). Cytogenetic location: 17p13.3.
Variant type: single nucleotide variant.
Coding change: c.1716C>T on transcript NM_001163809.2 (MANE Select); coding-DNA position 1716, C replaced by T.
Protein change: p.His572=; no amino-acid change (histidine 572 retained).
Molecular consequence: synonymous variant. On other transcripts: intron variant (3).
Genome position (GRCh38, 1-based): chr17:1,726,675, C>T. VCF-style: chr17-1726675-C-T. GRCh37 (hg19) VCF-style: chr17-1629969-C-T.
Other names: p.His572=; c.-123-1315C>T (NM_152348.4); c.59-3705C>T (NM_001163673.2); c.-15+1889C>T (NM_001163811.2).
Identifiers: ClinVar variation 130733 (VCV000130733.10), dbSNP rs80035274, ClinGen allele CA155971.